The following is an entry in ClinVar:

ClinVar aggregate classification (germline): Uncertain significance. Review status: criteria provided, single submitter (1 of 4 stars). 2 submissions from 2 submitters: Uncertain significance (1). 1 of the submissions does not count toward it. Last evaluated 2025-06-12.

Conditions:
LAMA5-related disorder. Also called: LAMA5-related condition; LAMA5-Related Disorders.

Allele frequency attached by ClinVar (database versions not stated): ExAC 0.00007; ESP Exome Variant Server 0.00008; gnomAD 0.00015; TOPMed 0.00020; 1000 Genomes Project 30x 0.00031; 1000 Genomes Project 0.00040.
gnomAD v4.1: 61 of 1,594,146 alleles (0.0038%); highest among the groups gnomAD compares: African/African-American, 0.047%; no homozygotes.

Submissions (2):

Labcorp Genetics (formerly Invitae), Labcorp
Classification: Uncertain significance. Last evaluated: 2025-06-12. Review status: criteria provided, single submitter. Criteria: Invitae Variant Classification Sherloc (09022015). Collection method: clinical testing. Allele origin: germline.
Comment: This sequence change replaces valine, which is neutral and non-polar, with methionine, which is neutral and non-polar, at codon 967 of the LAMA5 protein (p.Val967Met). The frequency data for this variant in the population databases is considered unreliable, as metrics indicate poor data quality at this position in the gnomAD database. This variant has not been reported in the literature in individuals affected with LAMA5-related conditions. ClinVar contains an entry for this variant (Variation ID: 1960533). An algorithm developed to predict the effect of missense changes on protein structure and function outputs the following: PolyPhen-2: "Benign". The methionine amino acid residue is found in multiple mammalian species, which suggests that this missense change does not adversely affect protein function. In summary, the available evidence is currently insufficient to determine the role of this variant in disease. Therefore, it has been classified as a Variant of Uncertain Significance.

PreventionGenetics, part of Exact Sciences
Classification: Uncertain significance for LAMA5-related condition. Last evaluated: 2024-03-06. Review status: no assertion criteria provided. Collection method: clinical testing. Allele origin: germline. Not counted in ClinVar's aggregate classification.
Comment: The LAMA5 c.2899G>A variant is predicted to result in the amino acid substitution p.Val967Met. To our knowledge, this variant has not been reported in the literature. This variant is reported in 0.043% of alleles in individuals of African descent in gnomAD. At this time, the clinical significance of this variant is uncertain due to the absence of conclusive functional and genetic evidence.

NM_005560.6(LAMA5):c.2899G>A (p.Val967Met)

Gene: LAMA5 (laminin subunit alpha 5; minus strand). Cytogenetic location: 20q13.33.
Variant type: single nucleotide variant.
Coding change: c.2899G>A on transcript NM_005560.6 (MANE Select); coding-DNA position 2899, G replaced by A.
Protein change: p.Val967Met; replaces valine 967 with methionine.
Molecular consequence: missense variant.
Genome position (GRCh38, 1-based): chr20:62,333,686, C>T on the plus strand (G>A on the coding strand, the complement: LAMA5 is on the minus strand). VCF-style: chr20-62333686-C-T. GRCh37 (hg19) VCF-style: chr20-60908742-C-T.
Other names: c.2899G>A (NM_005560.4); short protein forms V967M.
Identifiers: ClinVar variation 1960533 (VCV001960533.6), dbSNP rs371365867, ClinGen allele CA9943260.
Genomic context (GRCh38, chr20:62,333,686, plus strand): 5'-CTCCGAAGCCCCTCTGGGGCACGGTGATGAAGGCAGGCTCCGTGCTGGGTGGGAAGGCCA[C>T]GGGCTGACTCTGTGCTGTGCCTGGGCGGGGGCAGGGGTGAGACTCCTGAGCCCAGCCCTT-3'
Protein context (NP_005551.3, residues 957-977): CANCTAQSQP[Val967Met]AFPPSTEPAF